The following is an entry in ClinVar:

NM_139057.4(ADAMTS17):c.1432A>G (p.Ile478Val)

Gene: ADAMTS17 (ADAM metallopeptidase with thrombospondin type 1 motif 17; minus strand). Cytogenetic location: 15q26.3.
Variant type: single nucleotide variant.
Coding change: c.1432A>G on transcript NM_139057.4 (MANE Select); coding-DNA position 1432, A replaced by G.
Protein change: p.Ile478Val; replaces isoleucine 478 with valine.
Molecular consequence: missense variant.
Genome position (GRCh38, 1-based): chr15:100,152,653, T>C on the plus strand (A>G on the coding strand, the complement: ADAMTS17 is on the minus strand). VCF-style: chr15-100152653-T-C. GRCh37 (hg19) VCF-style: chr15-100692858-T-C.
Other names: short protein forms I478V.
Identifiers: ClinVar variation 1420283 (VCV001420283.6), dbSNP rs531412790, ClinGen allele CA7758244.

ClinVar aggregate classification (germline): Uncertain significance (1 of 4 stars; one submission).

Allele frequency attached by ClinVar (database versions not stated): gnomAD exomes below 0.00001 and 0.00001; TOPMed below 0.00001; gnomAD 0.00001; ExAC 0.00002; 1000 Genomes Project 30x 0.00016; 1000 Genomes Project 0.00020.
gnomAD v4.1: 2 of 1,614,108 alleles (0.00012%); highest among the groups gnomAD compares: South Asian, 0.0022%; no homozygotes.

Submission:

Labcorp Genetics (formerly Invitae), Labcorp
Classification: Uncertain significance. Last evaluated: 2022-06-27. Review status: criteria provided, single submitter. Criteria: Invitae Variant Classification Sherloc (09022015). Collection method: clinical testing. Allele origin: germline.
Comment: In summary, the available evidence is currently insufficient to determine the role of this variant in disease. Therefore, it has been classified as a Variant of Uncertain Significance. Algorithms developed to predict the effect of missense changes on protein structure and function are either unavailable or do not agree on the potential impact of this missense change (SIFT: "Not Available"; PolyPhen-2: "Probably Damaging"; Align-GVGD: "Not Available"). This variant has not been reported in the literature in individuals affected with ADAMTS17-related conditions. This variant is present in population databases (rs531412790, gnomAD 0.006%). This sequence change replaces isoleucine with valine at codon 478 of the ADAMTS17 protein (p.Ile478Val). The isoleucine residue is highly conserved and there is a small physicochemical difference between isoleucine and valine.